The following is an entry in ClinVar:

ClinVar aggregate classification (germline): Likely pathogenic (1 of 4 stars; one submission).

Conditions:
Hereditary diffuse gastric adenocarcinoma (HDGC). Also called: DIFFUSE GASTRIC AND LOBULAR BREAST CANCER SYNDROME. Identifiers: Orphanet 26106, MedGen C1708349, MONDO:0007648, OMIM 137215.

Submission:

Myriad Genetics, Inc.
Classification: Likely pathogenic for Hereditary diffuse gastric adenocarcinoma. Last evaluated: 2022-12-29. Review status: criteria provided, single submitter. Criteria: Myriad Autosomal Dominant, Autosomal Recessive and X-Linked Classification Criteria (2023). Collection method: clinical testing. Allele origin: unknown.
Comment: This variant is considered likely pathogenic. This variant occurs within a consensus splice junction and is predicted to result in abnormal mRNA splicing of either an out-of-frame exon or an in-frame exon necessary for protein stability and/or normal function.

NM_004360.5(CDH1):c.1008+2_1008+4del

Gene: CDH1 (cadherin 1; plus strand). Cytogenetic location: 16q22.1.
Variant type: Deletion.
Coding change: c.1008+2_1008+4del on transcript NM_004360.5 (MANE Select); the canonical splice donor site of the intron after coding-DNA position 1008 through 4 bases into the intron after coding-DNA position 1008, 3 bases deleted (TCA; older notation c.1008+2_1008+4delTCA).
Molecular consequence: splice donor variant.
Genome position (GRCh38, 1-based): chr16:68,811,861-68,811,863, TCA deleted. VCF-style (leftmost placement, unchanged base first): chr16-68811860-GTCA-G. GRCh37 (hg19) VCF-style: chr16-68845763-GTCA-G.
Other names: c.-608+2_-608+4del (NM_001317185.2); c.-812+2_-812+4del (NM_001317186.2); c.1008+2_1008+4del (NM_001317184.2).
Identifiers: ClinVar variation 2431287 (VCV002431287.1), dbSNP rs2543923015, ClinGen allele CA2580091860.